The following is an entry in ClinVar:

ClinVar aggregate classification (germline): Uncertain significance (1 of 4 stars; one submission).

Submission:

Labcorp Genetics (formerly Invitae), Labcorp
Classification: Uncertain significance. Last evaluated: 2024-06-07. Review status: criteria provided, single submitter. Criteria: Invitae Variant Classification Sherloc (09022015). Collection method: clinical testing. Allele origin: germline.
Comment: This sequence change replaces glycine, which is neutral and non-polar, with glutamic acid, which is acidic and polar, at codon 293 of the FBXO11 protein (p.Gly293Glu). This variant is not present in population databases (gnomAD no frequency). This variant has not been reported in the literature in individuals affected with FBXO11-related conditions. An algorithm developed to predict the effect of missense changes on protein structure and function (PolyPhen-2) suggests that this variant is likely to be disruptive. In summary, the available evidence is currently insufficient to determine the role of this variant in disease. Therefore, it has been classified as a Variant of Uncertain Significance.

NM_001190274.2(FBXO11):c.878G>A (p.Gly293Glu)

Gene: FBXO11 (F-box protein 11; minus strand). Cytogenetic location: 2p16.3.
Variant type: single nucleotide variant.
Coding change: c.878G>A on transcript NM_001190274.2 (MANE Select); coding-DNA position 878, G replaced by A.
Protein change: p.Gly293Glu; replaces glycine 293 with glutamic acid.
Molecular consequence: missense variant.
Genome position (GRCh38, 1-based): chr2:47,834,635, C>T on the plus strand (G>A on the coding strand, the complement: FBXO11 is on the minus strand). VCF-style: chr2-47834635-C-T. GRCh37 (hg19) VCF-style: chr2-48061774-C-T.
Other names: c.626G>A, p.Gly209Glu (NM_001374325.1, NM_025133.4); short protein forms G293E, G209E.
Identifiers: ClinVar variation 3655830 (VCV003655830.2).